The following is an entry in ClinVar:

NM_015272.5(RPGRIP1L):c.132dup (p.Val45fs)

Gene: RPGRIP1L (RPGRIP1 like; minus strand). Cytogenetic location: 16q12.2.
Variant type: Duplication.
Coding change: c.132dup on transcript NM_015272.5 (MANE Select); coding-DNA position 132, one base duplicated (T; older notation c.132dupT).
Protein change: p.Val45fs; shifts the reading frame from valine 45.
Molecular consequence: frameshift variant.
Genome position (GRCh38, 1-based): chr16:53,696,249, A duplicated on the plus strand (T on the coding strand, the reverse complement: RPGRIP1L is on the minus strand). VCF-style (leftmost placement, unchanged base first): chr16-53696248-C-CA. GRCh37 (hg19) VCF-style: chr16-53730160-C-CA.
Other names: c.132dup, p.Val45fs (NM_001127897.4, NM_001308334.3, NM_001328422.2 and 2 more transcripts); short protein forms V45fs.
Identifiers: ClinVar variation 2921597 (VCV002921597.3), dbSNP rs2544754244, ClinGen allele CA2740093385.

ClinVar aggregate classification (germline): Pathogenic (1 of 4 stars; one submission).

Conditions:
Joubert syndrome. Also called: CEREBELLOPARENCHYMAL DISORDER IV; JOUBERT-BOLTSHAUSER SYNDROME; Familial aplasia of the vermis. Identifiers: Orphanet 475, MedGen C5979921, MONDO:0018772.
Meckel-Gruber syndrome. Also called: DYSENCEPHALIA SPLANCHNOCYSTICA; GRUBER SYNDROME; Dysencephalia splachnocystica. Identifiers: Orphanet 564, MedGen C0265215, MONDO:0018921.

Submission:

Labcorp Genetics (formerly Invitae), Labcorp
Classification: Pathogenic for Joubert syndrome; Meckel-Gruber syndrome. Last evaluated: 2023-12-21. Review status: criteria provided, single submitter. Criteria: Invitae Variant Classification Sherloc (09022015). Collection method: clinical testing. Allele origin: germline.
Comment: This sequence change creates a premature translational stop signal (p.Val45Cysfs*4) in the RPGRIP1L gene. It is expected to result in an absent or disrupted protein product. Loss-of-function variants in RPGRIP1L are known to be pathogenic (PMID: 17558409). This variant is not present in population databases (gnomAD no frequency). This variant has not been reported in the literature in individuals affected with RPGRIP1L-related conditions. For these reasons, this variant has been classified as Pathogenic.

Literature cited by the submitters: PubMed 17558409.